The following is an entry in ClinVar:

NM_007194.4(CHEK2):c.877del (p.Asp293fs)

Gene: CHEK2 (checkpoint kinase 2; minus strand). Cytogenetic location: 22q12.1.
Variant type: Deletion.
Coding change: c.877del on transcript NM_007194.4 (MANE Select); coding-DNA position 877, one base deleted (G; older notation c.877delG).
Protein change: p.Asp293fs; shifts the reading frame from aspartic acid 293.
Molecular consequence: frameshift variant.
Genome position (GRCh38, 1-based): chr22:28,703,536, C deleted on the plus strand (G on the coding strand, the reverse complement: CHEK2 is on the minus strand). VCF-style (leftmost placement, unchanged base first): chr22-28703535-TC-T. GRCh37 (hg19) VCF-style: chr22-29099523-TC-T.
Other names: c.1006delG, p.Asp336Metfs (NM_001005735.3); c.214delG, p.Asp72Metfs (NM_001257387.3); c.676delG, p.Asp226Metfs (NM_001349956.3); c.877delG, p.Asp293Metfs (NM_145862.3); short protein forms D336fs, D293fs, D226fs, D72fs.
Identifiers: ClinVar variation 2099185 (VCV002099185.6), dbSNP rs2490455393, ClinGen allele CA2580099380.
Genomic context (GRCh38, chr22:28,703,535, plus strand): 5'-ACAGAAATTTTTAAAAAGTTTACTACTTACAATTCCAAAACAATATAATAATCTTCTGCA[TC>T]AAAAAAGTTTTTAATCTTGATGATGCAAGGCTAAGAAGAGGGGGAGAAAAAAGGGAAAGT-3'

ClinVar aggregate classification (germline): Pathogenic. Review status: criteria provided, multiple submitters, no conflicts (2 of 4 stars). 2 submissions from 2 submitters: Pathogenic (2). Last evaluated 2024-03-26.

Conditions:
Familial cancer of breast. Also called: Hereditary breast cancer; BREAST CANCER, FAMILIAL; hereditary breast carcinoma. Identifiers: Orphanet 227535, MedGen C0346153, MONDO:0016419, OMIM 114480. Disease mechanism: loss of function.

Allele frequency attached by ClinVar (database versions not stated): gnomAD exomes below 0.00001.

Submissions (2):

Labcorp Genetics (formerly Invitae), Labcorp
Classification: Pathogenic for Familial cancer of breast. Last evaluated: 2024-03-26. Review status: criteria provided, single submitter. Criteria: Invitae Variant Classification Sherloc (09022015). Collection method: clinical testing. Allele origin: germline.
Comment: This sequence change creates a premature translational stop signal (p.Asp293Metfs*11) in the CHEK2 gene. It is expected to result in an absent or disrupted protein product. Loss-of-function variants in CHEK2 are known to be pathogenic (PMID: 21876083, 24713400). This variant is not present in population databases (gnomAD no frequency). This premature translational stop signal has been observed in individual(s) with prostate cancer (PMID: 32338768). ClinVar contains an entry for this variant (Variation ID: 2099185). Algorithms developed to predict the effect of sequence changes on RNA splicing suggest that this variant may disrupt the consensus splice site. For these reasons, this variant has been classified as Pathogenic.

Myriad Genetics, Inc.
Classification: Pathogenic for Familial cancer of breast. Last evaluated: 2023-06-27. Review status: criteria provided, single submitter. Criteria: Myriad Autosomal Dominant, Autosomal Recessive and X-Linked Classification Criteria (2023). Collection method: clinical testing. Allele origin: unknown.
Comment: This variant is considered pathogenic. This variant creates a frameshift predicted to result in premature protein truncation.

Literature cited by the submitters: PubMed 21876083 (cited by Labcorp Genetics (formerly Invitae), Labcorp); PubMed 24713400 (cited by Labcorp Genetics (formerly Invitae), Labcorp); PubMed 32338768 (cited by Labcorp Genetics (formerly Invitae), Labcorp).